The following is an entry in ClinVar:

NM_000081.4(LYST):c.6505G>A (p.Glu2169Lys)

Gene: LYST (lysosomal trafficking regulator; minus strand). Cytogenetic location: 1q42.3.
Variant type: single nucleotide variant.
Coding change: c.6505G>A on transcript NM_000081.4 (MANE Select); coding-DNA position 6505, G replaced by A.
Protein change: p.Glu2169Lys; replaces glutamic acid 2169 with lysine.
Molecular consequence: missense variant.
Genome position (GRCh38, 1-based): chr1:235,759,348, C>T on the plus strand (G>A on the coding strand, the complement: LYST is on the minus strand). VCF-style: chr1-235759348-C-T. GRCh37 (hg19) VCF-style: chr1-235922648-C-T.
Other names: c.6505G>A (NM_000081.2); c.6505G>A, p.Glu2169Lys (NM_001301365.1); short protein forms E2169K.
Identifiers: ClinVar variation 2068400 (VCV002068400.3), dbSNP rs1186227940, ClinGen allele CA344941409.

ClinVar aggregate classification (germline): Uncertain significance. Review status: criteria provided, multiple submitters, no conflicts (2 of 4 stars). 2 submissions from 2 submitters: Uncertain significance (2). Last evaluated 2023-04-25.

Conditions:
Chédiak-Higashi syndrome (CHS). Also called: Chediak-Higashi Syndrome. Identifiers: Orphanet 167, MedGen C0007965, MONDO:0008963, OMIM 214500.
Inborn genetic diseases. Identifiers: MedGen C0950123, MeSH D030342.

Allele frequency attached by ClinVar (database versions not stated): gnomAD exomes 0.00001; TOPMed 0.00001.
gnomAD v4.1: 12 of 1,614,144 alleles (0.00074%); highest among the groups gnomAD compares: Middle Eastern, 0.033%; no homozygotes.

Submissions (2):

Ambry Genetics
Classification: Uncertain significance for Inborn genetic diseases. Last evaluated: 2023-04-25. Review status: criteria provided, single submitter. Criteria: Ambry Variant Classification Scheme 2023. Collection method: clinical testing. Allele origin: germline.

Labcorp Genetics (formerly Invitae), Labcorp
Classification: Uncertain significance for Chédiak-Higashi syndrome. Last evaluated: 2022-03-24. Review status: criteria provided, single submitter. Criteria: Invitae Variant Classification Sherloc (09022015). Collection method: clinical testing. Allele origin: germline.
Comment: This sequence change replaces glutamic acid, which is acidic and polar, with lysine, which is basic and polar, at codon 2169 of the LYST protein (p.Glu2169Lys). This variant is not present in population databases (gnomAD no frequency). This variant has not been reported in the literature in individuals affected with LYST-related conditions. Algorithms developed to predict the effect of missense changes on protein structure and function (SIFT, PolyPhen-2, Align-GVGD) all suggest that this variant is likely to be tolerated. In summary, the available evidence is currently insufficient to determine the role of this variant in disease. Therefore, it has been classified as a Variant of Uncertain Significance.